The following is an entry in ClinVar:

ClinVar aggregate classification (germline): Uncertain significance. Review status: criteria provided, multiple submitters, no conflicts (2 of 4 stars). 3 submissions from 3 submitters: Uncertain significance (3). Last evaluated 2026-03-27.

Conditions:
Brugada syndrome. Also called: Sudden unexpected nocturnal death syndrome; Sudden Unexplained Death Syndrome; Sudden Unexplained Nocturnal Death Syndrome (SUNDS); Sudden unexplained nocturnal death syndrome. Identifiers: Orphanet 130, MedGen C1142166, MONDO:0015263.
Cardiovascular phenotype. Identifiers: MedGen CN230736.

Allele frequency attached by ClinVar (database versions not stated): TOPMed 0.00003; gnomAD 0.00003; gnomAD exomes below 0.00001 and 0.00002; ExAC 0.00001; ESP Exome Variant Server 0.00015.
gnomAD v4.1: 26 of 1,613,678 alleles (0.0016%); highest among the groups gnomAD compares: African/African-American, 0.013%; no homozygotes.

Submissions (3):

GeneDx
Classification: Uncertain significance. Last evaluated: 2026-03-27. Review status: criteria provided, single submitter. Criteria: GeneDx Variant Classification Process June 2021. Collection method: clinical testing. Allele origin: germline.
Comment: Not observed at significant frequency in large population cohorts (gnomAD); In silico analysis supports that this missense variant has a deleterious effect on protein structure/function; Has not been previously published as pathogenic or benign to our knowledge; In silico analysis is inconclusive as to whether the variant alters gene splicing. In the absence of RNA/functional studies, the actual effect of this sequence change is unknown.

Labcorp Genetics (formerly Invitae), Labcorp
Classification: Uncertain significance for Brugada syndrome. Last evaluated: 2025-11-24. Review status: criteria provided, single submitter. Criteria: Invitae Variant Classification Sherloc (09022015). Collection method: clinical testing. Allele origin: germline.
Comment: This sequence change replaces aspartic acid, which is acidic and polar, with glycine, which is neutral and non-polar, at codon 1371 of the SCN10A protein (p.Asp1371Gly). This variant is present in population databases (rs376193439, gnomAD 0.002%). This variant has not been reported in the literature in individuals affected with SCN10A-related conditions. ClinVar contains an entry for this variant (Variation ID: 939471). Invitae Evidence Modeling of protein sequence and biophysical properties (such as structural, functional, and spatial information, amino acid conservation, physicochemical variation, residue mobility, and thermodynamic stability) indicates that this missense variant is not expected to disrupt SCN10A protein function with a negative predictive value of 80%. In summary, the available evidence is currently insufficient to determine the role of this variant in disease. Therefore, it has been classified as a Variant of Uncertain Significance.

Ambry Genetics
Classification: Uncertain significance for Cardiovascular phenotype. Last evaluated: 2025-08-06. Review status: criteria provided, single submitter. Criteria: Ambry Variant Classification Scheme 2023. Collection method: clinical testing. Allele origin: germline.
Comment: The p.D1371G variant (also known as c.4112A>G), located in coding exon 23 of the SCN10A gene, results from an A to G substitution at nucleotide position 4112. The aspartic acid at codon 1371 is replaced by glycine, an amino acid with similar properties. This amino acid position is conserved. In addition, this alteration is predicted to be deleterious by in silico analysis. Since supporting evidence is limited at this time, the clinical significance of this alteration remains unclear.

NM_006514.4(SCN10A):c.4112A>G (p.Asp1371Gly)

Gene: SCN10A (sodium voltage-gated channel alpha subunit 10; minus strand). Cytogenetic location: 3p22.2.
Variant type: single nucleotide variant.
Coding change: c.4112A>G on transcript NM_006514.4 (MANE Select); coding-DNA position 4112, A replaced by G.
Protein change: p.Asp1371Gly; replaces aspartic acid 1371 with glycine.
Molecular consequence: missense variant.
Genome position (GRCh38, 1-based): chr3:38,710,875, T>C on the plus strand (A>G on the coding strand, the complement: SCN10A is on the minus strand). VCF-style: chr3-38710875-T-C. GRCh37 (hg19) VCF-style: chr3-38752366-T-C.
Other names: c.4109A>G, p.Asp1370Gly (NM_001293306.2); c.3818A>G, p.Asp1273Gly (NM_001293307.2); short protein forms D1371G, D1370G, D1273G.
Identifiers: ClinVar variation 939471 (VCV000939471.12), dbSNP rs376193439, ClinGen allele CA2320015.